The following is an entry in ClinVar:

NM_003978.5(PSTPIP1):c.17A>T (p.Gln6Leu)

Gene: PSTPIP1 (proline-serine-threonine phosphatase interacting protein 1; plus strand). Cytogenetic location: 15q24.3.
Variant type: single nucleotide variant.
Coding change: c.17A>T on transcript NM_003978.5 (MANE Select); coding-DNA position 17, A replaced by T.
Protein change: p.Gln6Leu; replaces glutamine 6 with leucine.
Molecular consequence: missense variant. On other transcripts: 5 prime UTR variant (1), non-coding transcript variant (1).
Genome position (GRCh38, 1-based): chr15:76,995,590, A>T. VCF-style: chr15-76995590-A-T. GRCh37 (hg19) VCF-style: chr15-77287931-A-T.
Other names: c.17A>T, p.Gln6Leu (NM_001321135.2, NM_001411086.1); c.-230A>T (NM_001321136.2); c.212A>T, p.Gln71Leu (NM_001321137.1); short protein forms Q6L, Q71L.
Identifiers: ClinVar variation 2096769 (VCV002096769.4), dbSNP rs2075560082, ClinGen allele CA393516140.

ClinVar aggregate classification (germline): Uncertain significance (1 of 4 stars; one submission).

Conditions:
Pyogenic arthritis-pyoderma gangrenosum-acne syndrome (PAPA). Also called: FAMILIAL RECURRENT ARTHRITIS; PAPA SYNDROME. Identifiers: Orphanet 69126, MedGen C1858361, MONDO:0011462, OMIM 604416.

Allele frequency attached by ClinVar (database versions not stated): TOPMed 0.00001.

Submission:

Labcorp Genetics (formerly Invitae), Labcorp
Classification: Uncertain significance for Pyogenic arthritis-pyoderma gangrenosum-acne syndrome. Last evaluated: 2025-05-27. Review status: criteria provided, single submitter. Criteria: Invitae Variant Classification Sherloc (09022015). Collection method: clinical testing. Allele origin: germline.
Comment: This sequence change replaces glutamine, which is neutral and polar, with leucine, which is neutral and non-polar, at codon 6 of the PSTPIP1 protein (p.Gln6Leu). This variant is not present in population databases (gnomAD no frequency). This variant has not been reported in the literature in individuals affected with PSTPIP1-related conditions. ClinVar contains an entry for this variant (Variation ID: 2096769). An algorithm developed to predict the effect of missense changes on protein structure and function outputs the following: PolyPhen-2: "Benign". The leucine amino acid residue is found in multiple mammalian species, which suggests that this missense change does not adversely affect protein function. In summary, the available evidence is currently insufficient to determine the role of this variant in disease. Therefore, it has been classified as a Variant of Uncertain Significance.